The following is an entry in ClinVar:

ClinVar aggregate classification (germline): Conflicting classifications of pathogenicity. Review status: criteria provided, conflicting classifications (1 of 4 stars). 2 submissions from 2 submitters: Pathogenic (1); Uncertain significance (1). Last evaluated 2024-06-21.

Conditions:
Insulin-dependent diabetes mellitus secretory diarrhea syndrome (IPEX). Also called: IPEX and IPEX-Like; Immunodeficiency, Polyendocrinopathy, and Enteropathy X-Linked Syndrome; X-Linked Syndrome of Polyendocrinopathy, Immune Dysfunction, and Diarrhea; IMMUNODEFICIENCY, POLYENDOCRINOPATHY, AND ENTEROPATHY, X-LINKED; Immune dysregulation-polyendocrinopathy-enteropathy-X-linked syndrome; Immunodysregulation, polyendocrinopathy, and enteropathy, X-linked. Identifiers: Orphanet 37042, MedGen C0342288, MONDO:0010580, OMIM 304790. Disease mechanism: loss of function.

Submissions (2):

Labcorp Genetics (formerly Invitae), Labcorp
Classification: Uncertain significance for Insulin-dependent diabetes mellitus secretory diarrhea syndrome. Last evaluated: 2024-06-21. Review status: criteria provided, single submitter. Criteria: Invitae Variant Classification Sherloc (09022015). Collection method: clinical testing. Allele origin: germline.
Comment: This sequence change replaces cysteine, which is neutral and slightly polar, with tyrosine, which is neutral and polar, at codon 424 of the FOXP3 protein (p.Cys424Tyr). This variant is not present in population databases (gnomAD no frequency). This missense change has been observed in individuals with immunodysregulation, polyendocrinopathy, and enteropathy syndrome (PMID: 16990602, 30443250, 36007526, 36600150). ClinVar contains an entry for this variant (Variation ID: 2584421). Advanced modeling of protein sequence and biophysical properties (such as structural, functional, and spatial information, amino acid conservation, physicochemical variation, residue mobility, and thermodynamic stability) performed at Invitae indicates that this missense variant is not expected to disrupt FOXP3 protein function with a negative predictive value of 95%. Experimental studies have shown that this missense change affects FOXP3 function (PMID: 16920951). Algorithms developed to predict the effect of sequence changes on RNA splicing suggest that this variant may create or strengthen a splice site. In summary, the available evidence is currently insufficient to determine the role of this variant in disease. Therefore, it has been classified as a Variant of Uncertain Significance.

Rady Children's Institute for Genomic Medicine, Rady Children's Hospital San Diego
Classification: Pathogenic for IMMUNODYSREGULATION, POLYENDOCRINOPATHY, AND ENTEROPATHY, X-LINKED. Review status: criteria provided, single submitter. Criteria: ACMG Guidelines, 2015. Collection method: clinical testing. Allele origin: germline. Affected: yes.
Comment: This variant has been previously reported as a hemizygous change in patients with Immunodysregulation, Polyendocrinopathy, and Enteropathy, X-Linked (IPEX) Syndrome (PMID: 16990602, 30443250). In vitro studies demonstrate that this variant impairs the transcriptional repressor activity of FOXP3 (PMID: 1692095). It is absent from the gnomAD population database and thus is presumed to be rare. In silico tools used to predict the effect of this variant on protein function yield discordant results. Analysis of the maternal sample was negative for the variant, indicating the variant likely occurred as a de novo event. Based on the available evidence, the c.1271G>A (p.Cys424Tyr) variant is classified as Pathogenic.

Literature cited by the submitters: PubMed 16990602 (cited by Labcorp Genetics (formerly Invitae), Labcorp); PubMed 30443250 (cited by Labcorp Genetics (formerly Invitae), Labcorp); PubMed 36007526 (cited by Labcorp Genetics (formerly Invitae), Labcorp); PubMed 36600150 (cited by Labcorp Genetics (formerly Invitae), Labcorp); PubMed 16920951 (cited by Labcorp Genetics (formerly Invitae), Labcorp).

NM_014009.4(FOXP3):c.1271G>A (p.Cys424Tyr)

Gene: FOXP3 (forkhead box P3; minus strand). Cytogenetic location: Xp11.23.
Variant type: single nucleotide variant.
Coding change: c.1271G>A on transcript NM_014009.4 (MANE Select); coding-DNA position 1271, G replaced by A.
Protein change: p.Cys424Tyr; replaces cysteine 424 with tyrosine.
Molecular consequence: missense variant.
Genome position (GRCh38, 1-based): chrX:49,251,359, C>T on the plus strand (G>A on the coding strand, the complement: FOXP3 is on the minus strand). VCF-style: chrX-49251359-C-T. GRCh37 (hg19) VCF-style: chrX-49107820-C-T.
Other names: c.1166G>A, p.Cys389Tyr (NM_001114377.2); short protein forms C389Y, C424Y.
Identifiers: ClinVar variation 2584421 (VCV002584421.3), dbSNP rs2519185601, ClinGen allele CA412947071.